The following is an entry in ClinVar:

ClinVar aggregate classification (germline): Uncertain significance (1 of 4 stars; one submission).

Conditions:
Ehlers-Danlos syndrome, classic type, 1 (EDSCL1). Also called: EHLERS-DANLOS SYNDROME, GRAVIS TYPE; EHLERS-DANLOS SYNDROME, SEVERE CLASSIC TYPE; Ehlers-Danlos syndrome, type 1; Ehlers-Danlos Syndrome, Classic Type, COL5A1-Related; EDS I. Identifiers: MedGen C0268335, MONDO:0019567, OMIM 130000.
Osteogenesis imperfecta type I (OI1). Also called: OI, TYPE I; OSTEOGENESIS IMPERFECTA TARDA; OSTEOGENESIS IMPERFECTA WITH BLUE SCLERAE; Osteogenesis imperfecta type 1; Lobstein's Disease; Lobstein disease. Identifiers: Orphanet 216796, Orphanet 666, MedGen C0023931, MONDO:0008146, OMIM 166200. Disease mechanism: loss of function.

gnomAD v4.1: 3 of 1,614,220 alleles (0.00019%); highest among the groups gnomAD compares: Non-Finnish European, 0.00025%; no homozygotes.

Submission:

Labcorp Genetics (formerly Invitae), Labcorp
Classification: Uncertain significance for Osteogenesis imperfecta type I; Ehlers-Danlos syndrome, classic type, 1. Last evaluated: 2022-07-19. Review status: criteria provided, single submitter. Criteria: Invitae Variant Classification Sherloc (09022015). Collection method: clinical testing. Allele origin: germline.
Comment: ClinVar contains an entry for this variant (Variation ID: 1414104). This variant has not been reported in the literature in individuals affected with COL1A2-related conditions. This variant is not present in population databases (gnomAD no frequency). This sequence change replaces alanine, which is neutral and non-polar, with serine, which is neutral and polar, at codon 516 of the COL1A2 protein (p.Ala516Ser). Advanced modeling of protein sequence and biophysical properties (such as structural, functional, and spatial information, amino acid conservation, physicochemical variation, residue mobility, and thermodynamic stability) performed at Invitae indicates that this missense variant is not expected to disrupt COL1A2 protein function. In summary, the available evidence is currently insufficient to determine the role of this variant in disease. Therefore, it has been classified as a Variant of Uncertain Significance.

NM_000089.4(COL1A2):c.1546G>T (p.Ala516Ser)

Gene: COL1A2 (collagen type I alpha 2 chain; plus strand). Cytogenetic location: 7q21.3.
Variant type: single nucleotide variant.
Coding change: c.1546G>T on transcript NM_000089.4 (MANE Select); coding-DNA position 1546, G replaced by T.
Protein change: p.Ala516Ser; replaces alanine 516 with serine.
Molecular consequence: missense variant.
Genome position (GRCh38, 1-based): chr7:94,413,125, G>T. VCF-style: chr7-94413125-G-T. GRCh37 (hg19) VCF-style: chr7-94042437-G-T.
Other names: short protein forms A516S.
Identifiers: ClinVar variation 1414104 (VCV001414104.6), dbSNP rs1185283931, ClinGen allele CA368222076.